The following is an entry in ClinVar:

NM_000355.4(TCN2):c.1107A>G (p.Thr369=)

Gene: TCN2 (transcobalamin 2; plus strand). Cytogenetic location: 22q12.2.
Variant type: single nucleotide variant.
Coding change: c.1107A>G on transcript NM_000355.4 (MANE Select); coding-DNA position 1107, A replaced by G.
Protein change: p.Thr369=; no amino-acid change (threonine 369 retained).
Molecular consequence: synonymous variant.
Genome position (GRCh38, 1-based): chr22:30,622,968, A>G. VCF-style: chr22-30622968-A-G. GRCh37 (hg19) VCF-style: chr22-31018955-A-G.
Other names: c.1026A>G, p.Thr342= (NM_001184726.2).
Identifiers: ClinVar variation 3681601 (VCV003681601.2).
Genomic context (GRCh38, chr22:30,622,968, plus strand): 5'-CCTCTCCCCTTAGGGACAACAGCCACCTCTTCTCTCCCCATTTGCCTTTCCCTTCTGTAG[A>G]TATGAAACACAGGCCTCCTTGTCAGGCCCCTACTTAACCTCCGTGATGGGGAAAGCGGCC-3'
Protein context (NP_000346.2, residues 359-379): LKKAHELGGF[Thr369=]YETQASLSGP

ClinVar aggregate classification (germline): Uncertain significance (1 of 4 stars; one submission).

Conditions:
Transcobalamin II deficiency (TCN2D). Also called: TC II DEFICIENCY; TCN2 DEFICIENCY; Transcolabamin II deficiency. Identifiers: Orphanet 859, MedGen C0342701, MONDO:0010149, OMIM 275350.

gnomAD v4.1: 2 of 1,614,078 alleles (0.00012%); highest among the groups gnomAD compares: Non-Finnish European, 0.00017%; no homozygotes.

Submission:

Labcorp Genetics (formerly Invitae), Labcorp
Classification: Uncertain significance for Transcobalamin II deficiency. Last evaluated: 2024-09-19. Review status: criteria provided, single submitter. Criteria: Invitae Variant Classification Sherloc (09022015). Collection method: clinical testing. Allele origin: germline.
Comment: This sequence change affects codon 369 of the TCN2 mRNA. It is a 'silent' change, meaning that it does not change the encoded amino acid sequence of the TCN2 protein. It affects a nucleotide within the consensus splice site. This variant is not present in population databases (gnomAD no frequency). This variant has not been reported in the literature in individuals affected with TCN2-related conditions. Algorithms developed to predict the effect of sequence changes on RNA splicing suggest that this variant is not likely to affect RNA splicing. In summary, the available evidence is currently insufficient to determine the role of this variant in disease. Therefore, it has been classified as a Variant of Uncertain Significance.